The following is an entry in ClinVar:

ClinVar aggregate classification (germline): Uncertain significance (1 of 4 stars; one submission).

Conditions:
Early-infantile DEE. Also called: Early infantile epileptic encephalopathy with suppression bursts; Early infantile epileptic encephalopathy; Ohtahara syndrome. Identifiers: Orphanet 1934, MedGen C0393706, MONDO:0800491.

Allele frequency attached by ClinVar (database versions not stated): TOPMed below 0.00001; ExAC 0.00001; gnomAD exomes 0.00001.
gnomAD v4.1: 11 of 1,609,226 alleles (0.00068%); highest among the groups gnomAD compares: South Asian, 0.0099%; no homozygotes.

Submission:

Labcorp Genetics (formerly Invitae), Labcorp
Classification: Uncertain significance for Early-infantile DEE. Last evaluated: 2025-10-21. Review status: criteria provided, single submitter. Criteria: Invitae Variant Classification Sherloc (09022015). Collection method: clinical testing. Allele origin: germline.
Comment: This sequence change replaces proline, which is neutral and non-polar, with serine, which is neutral and polar, at codon 617 of the KCNQ2 protein (p.Pro617Ser). This variant is present in population databases (rs776037713, gnomAD 0.01%). This missense change has been observed in individual(s) with clinical features of KCNQ2-related conditions (PMID: 35571021). ClinVar contains an entry for this variant (Variation ID: 2414486). Invitae Evidence Modeling of protein sequence and biophysical properties (such as structural, functional, and spatial information, amino acid conservation, physicochemical variation, residue mobility, and thermodynamic stability) indicates that this missense variant is expected to disrupt KCNQ2 protein function with a positive predictive value of 95%. In summary, the available evidence is currently insufficient to determine the role of this variant in disease. Therefore, it has been classified as a Variant of Uncertain Significance.

Literature cited by the submitters: PubMed 35571021.

NM_172107.4(KCNQ2):c.1849C>T (p.Pro617Ser)

Gene: KCNQ2 (potassium voltage-gated channel subfamily Q member 2; minus strand). Cytogenetic location: 20q13.33.
Variant type: single nucleotide variant.
Coding change: c.1849C>T on transcript NM_172107.4 (MANE Select); coding-DNA position 1849, C replaced by T.
Protein change: p.Pro617Ser; replaces proline 617 with serine.
Molecular consequence: missense variant.
Genome position (GRCh38, 1-based): chr20:63,408,451, G>A on the plus strand (C>T on the coding strand, the complement: KCNQ2 is on the minus strand). VCF-style: chr20-63408451-G-A. GRCh37 (hg19) VCF-style: chr20-62039804-G-A.
Other names: c.1903C>T, p.Pro635Ser (NM_001382235.1); c.1765C>T, p.Pro589Ser (NM_004518.6); c.1795C>T, p.Pro599Ser (NM_172106.3); c.1756C>T, p.Pro586Ser (NM_172108.5); short protein forms P586S, P589S, P599S, P617S, P635S.
Identifiers: ClinVar variation 2414486 (VCV002414486.6), dbSNP rs776037713, ClinGen allele CA9958234.